The following is an entry in ClinVar:

ClinVar aggregate classification (germline): Uncertain significance. Review status: criteria provided, multiple submitters, no conflicts (2 of 4 stars). 3 submissions from 3 submitters: Uncertain significance (3). Last evaluated 2024-06-03.

Conditions:
Hereditary cancer-predisposing syndrome. Also called: Tumor predisposition; Hereditary neoplastic syndrome; Hereditary Cancer Syndrome; Neoplastic Syndromes, Hereditary. Identifiers: Orphanet 140162, MedGen C0027672, MeSH D009386, MONDO:0015356.

Allele frequency attached by ClinVar (database versions not stated): TOPMed below 0.00001; gnomAD 0.00001; gnomAD exomes 0.00002.
gnomAD v4.1: 14 of 1,614,010 alleles (0.00087%); highest among the groups gnomAD compares: Non-Finnish European, 0.0012%; no homozygotes.

Submissions (3):

Labcorp Genetics (formerly Invitae), Labcorp
Classification: Uncertain significance. Last evaluated: 2024-06-03. Review status: criteria provided, single submitter. Criteria: Invitae Variant Classification Sherloc (09022015). Collection method: clinical testing. Allele origin: germline.
Comment: This sequence change replaces arginine, which is basic and polar, with glycine, which is neutral and non-polar, at codon 623 of the MSH3 protein (p.Arg623Gly). This variant is present in population databases (no rsID available, gnomAD 0.004%). This variant has not been reported in the literature in individuals affected with MSH3-related conditions. ClinVar contains an entry for this variant (Variation ID: 936501). An algorithm developed to predict the effect of missense changes on protein structure and function (PolyPhen-2) suggests that this variant is likely to be disruptive. In summary, the available evidence is currently insufficient to determine the role of this variant in disease. Therefore, it has been classified as a Variant of Uncertain Significance.

Quest Diagnostics Nichols Institute San Juan Capistrano
Classification: Uncertain significance. Last evaluated: 2024-05-03. Review status: criteria provided, single submitter. Criteria: Quest Diagnostics criteria. Collection method: clinical testing. Allele origin: unknown.
Comment: The MSH3 c.1867A>G (p.Arg623Gly) variant has been reported in the published literature in a reportedly healthy individual (PMID: 29641532 (2018)). The frequency of this variant in the general population, 0.000035 (4/113656 chromosomes (Genome Aggregation Database)), is uninformative in the assessment of its pathogenicity. Analysis of this variant using bioinformatics tools for the prediction of the effect of amino acid changes on protein structure and function yielded predictions that this variant is damaging. Based on the available information, we are unable to determine the clinical significance of this variant.

Ambry Genetics
Classification: Uncertain significance for Hereditary cancer-predisposing syndrome. Last evaluated: 2024-03-19. Review status: criteria provided, single submitter. Criteria: Ambry Variant Classification Scheme 2023. Collection method: clinical testing. Allele origin: germline.
Comment: The p.R623G variant (also known as c.1867A>G), located in coding exon 13 of the MSH3 gene, results from an A to G substitution at nucleotide position 1867. The arginine at codon 623 is replaced by glycine, an amino acid with dissimilar properties. This amino acid position is highly conserved in available vertebrate species. In addition, this alteration is predicted to be deleterious by in silico analysis. Since supporting evidence is limited at this time, the clinical significance of this alteration remains unclear.

Literature cited by the submitters: PubMed 29641532 (cited by Quest Diagnostics Nichols Institute San Juan Capistrano).

NM_002439.5(MSH3):c.1867A>G (p.Arg623Gly)

Gene: MSH3 (mutS homolog 3; plus strand). Cytogenetic location: 5q14.1.
Variant type: single nucleotide variant.
Coding change: c.1867A>G on transcript NM_002439.5 (MANE Select); coding-DNA position 1867, A replaced by G.
Protein change: p.Arg623Gly; replaces arginine 623 with glycine.
Molecular consequence: missense variant.
Genome position (GRCh38, 1-based): chr5:80,761,649, A>G. VCF-style: chr5-80761649-A-G. GRCh37 (hg19) VCF-style: chr5-80057468-A-G.
Other names: short protein forms R623G.
Identifiers: ClinVar variation 936501 (VCV000936501.12), dbSNP rs1237885290, ClinGen allele CA360276682.